The following is an entry in ClinVar:

NM_001853.4(COL9A3):c.1039G>A (p.Glu347Lys)

Gene: COL9A3 (collagen type IX alpha 3 chain; plus strand). Cytogenetic location: 20q13.33.
Variant type: single nucleotide variant.
Coding change: c.1039G>A on transcript NM_001853.4 (MANE Select); coding-DNA position 1039, G replaced by A.
Protein change: p.Glu347Lys; replaces glutamic acid 347 with lysine.
Molecular consequence: missense variant.
Genome position (GRCh38, 1-based): chr20:62,829,485, G>A. VCF-style: chr20-62829485-G-A. GRCh37 (hg19) VCF-style: chr20-61460837-G-A.
Other names: short protein forms E347K.
Identifiers: ClinVar variation 1466052 (VCV001466052.6), dbSNP rs772597446, ClinGen allele CA9949700.

ClinVar aggregate classification (germline): Uncertain significance (1 of 4 stars; one submission).

Allele frequency attached by ClinVar (database versions not stated): gnomAD exomes below 0.00001 and 0.00001; ExAC 0.00001.
gnomAD v4.1: 5 of 1,612,804 alleles (0.00031%); highest among the groups gnomAD compares: East Asian, 0.0022%; no homozygotes.

Submission:

Labcorp Genetics (formerly Invitae), Labcorp
Classification: Uncertain significance. Last evaluated: 2025-10-19. Review status: criteria provided, single submitter. Criteria: Invitae Variant Classification Sherloc (09022015). Collection method: clinical testing. Allele origin: germline.
Comment: This sequence change replaces glutamic acid, which is acidic and polar, with lysine, which is basic and polar, at codon 347 of the COL9A3 protein (p.Glu347Lys). This variant is present in population databases (rs772597446, gnomAD 0.006%). This variant has not been reported in the literature in individuals affected with COL9A3-related conditions. ClinVar contains an entry for this variant (Variation ID: 1466052). Invitae Evidence Modeling of protein sequence and biophysical properties (such as structural, functional, and spatial information, amino acid conservation, physicochemical variation, residue mobility, and thermodynamic stability) indicates that this missense variant is not expected to disrupt COL9A3 protein function with a negative predictive value of 95%. In summary, the available evidence is currently insufficient to determine the role of this variant in disease. Therefore, it has been classified as a Variant of Uncertain Significance.